The following is an entry in ClinVar:

ClinVar aggregate classification (germline): Likely benign (1 of 4 stars; one submission).

Conditions:
Neurodevelopmental disorder with language delay and variable cognitive abnormalities (NEDLC). Identifiers: MedGen C5882689, MONDO:0957779, OMIM 620502.

gnomAD v4.1: 175 of 1,523,814 alleles (0.011%); highest among the groups gnomAD compares: South Asian, 0.18%; 1 homozygote.

Submission:

Centre for Medical Genetics,  Mumbai
Classification: Likely benign for Neurodevelopmental disorder with language delay and variable cognitive abnormalities. Last evaluated: 2026-02-26. Review status: criteria provided, single submitter. Criteria: ACMG Guidelines, 2015. Collection method: provider interpretation. Allele origin: germline. Inheritance: Autosomal dominant inheritance. Affected: no. Observed: 1 variant allele, 1 heterozygote.
Comment: The variant satisfies PM2 criteria; Extremely low frequency in gnomAD population databases. The variant satisfies PP2 criteria; Missense variant in a gene with low rate of benign missense mutations and for which missense mutation is a common mechanism of a disease. However, the variant satisfies BS2 criteria.

Literature cited by the submitters: PubMed 36103875.

NM_001470.4(GABBR1):c.2786C>T (p.Pro929Leu)

Gene: GABBR1 (gamma-aminobutyric acid type B receptor subunit 1; minus strand). Cytogenetic location: 6p22.1.
Variant type: single nucleotide variant.
Coding change: c.2786C>T on transcript NM_001470.4 (MANE Select); coding-DNA position 2786, C replaced by T.
Protein change: p.Pro929Leu; replaces proline 929 with leucine.
Molecular consequence: missense variant.
Genome position (GRCh38, 1-based): chr6:29,603,643, G>A on the plus strand (C>T on the coding strand, the complement: GABBR1 is on the minus strand). VCF-style: chr6-29603643-G-A. GRCh37 (hg19) VCF-style: chr6-29571420-G-A.
Other names: c.2255C>T, p.Pro752Leu (NM_001319053.2); c.2435C>T, p.Pro812Leu (NM_021903.3); c.2600C>T, p.Pro867Leu (NM_021904.4); short protein forms P752L, P812L, P867L, P929L.
Identifiers: ClinVar variation 4814020 (VCV004814020.1).
Genomic context (GRCh38, chr6:29,603,643, plus strand): 5'-AGCCGGTCGGGGGGCTCAGGGGGTCCCCTGGGCAGGCCCCCAGAGGGTTCTGGGGGTGTC[G>A]GTGGGTGGCGCCGGGAGCGGAGCTGCTGCCGAGACTGGAGTTGATGGCGCAGTTCAGAGA-3'
Protein context (NP_001461.1, residues 919-939): RQQLRSRRHP[Pro929Leu]TPPEPSGGLP